The following is an entry in ClinVar:

ClinVar aggregate classification (germline): Uncertain significance (1 of 4 stars; one submission).

Conditions:
Cardiovascular phenotype. Identifiers: MedGen CN230736.

Allele frequency attached by ClinVar (database versions not stated): gnomAD 0.00001.
gnomAD v4.1: 1 of 1,550,074 alleles (0.000065%); highest among the groups gnomAD compares: African/African-American, 0.0014%; no homozygotes.

Submission:

Ambry Genetics
Classification: Uncertain significance for Cardiovascular phenotype. Last evaluated: 2021-12-03. Review status: criteria provided, single submitter. Criteria: Ambry Variant Classification Scheme 2023. Collection method: clinical testing. Allele origin: germline.
Comment: The p.G1753V variant (also known as c.5258G>T), located in coding exon 2 of the ZNF469 gene, results from a G to T substitution at nucleotide position 5258. The glycine at codon 1753 is replaced by valine, an amino acid with dissimilar properties. This amino acid position is conserved. In addition, this alteration is predicted to be tolerated by in silico analysis. Since supporting evidence is limited at this time, the clinical significance of this alteration remains unclear.

NM_001367624.2(ZNF469):c.5342G>T (p.Gly1781Val)

Gene: ZNF469 (zinc finger protein 469; plus strand). Cytogenetic location: 16q24.2.
Variant type: single nucleotide variant.
Coding change: c.5342G>T on transcript NM_001367624.2 (MANE Select); coding-DNA position 5342, G replaced by T.
Protein change: p.Gly1781Val; replaces glycine 1781 with valine.
Molecular consequence: missense variant.
Genome position (GRCh38, 1-based): chr16:88,432,812, G>T. VCF-style: chr16-88432812-G-T. GRCh37 (hg19) VCF-style: chr16-88499220-G-T.
Other names: NM_001127464.1:c.5258G>T; short protein forms G1781V.
Identifiers: ClinVar variation 1746395 (VCV001746395.2), dbSNP rs1001121726, ClinGen allele CA286377374.